The following is an entry in ClinVar:

ClinVar aggregate classification (germline): Uncertain significance (1 of 4 stars; one submission).

Conditions:
Aortic aneurysm, familial thoracic 7 (AAT7). Also called: AORTIC DISSECTION, FAMILIAL, WITH OR WITHOUT AORTIC ANEURYSM. Identifiers: MedGen C3151077, MONDO:0013418, OMIM 613780.

gnomAD v4.1: 2 of 1,614,146 alleles (0.00012%); highest among the groups gnomAD compares: Non-Finnish European, 0.000085%; no homozygotes.

Submission:

Labcorp Genetics (formerly Invitae), Labcorp
Classification: Uncertain significance for Aortic aneurysm, familial thoracic 7. Last evaluated: 2025-11-23. Review status: criteria provided, single submitter. Criteria: Invitae Variant Classification Sherloc (09022015). Collection method: clinical testing. Allele origin: germline.
Comment: This sequence change replaces alanine, which is neutral and non-polar, with glycine, which is neutral and non-polar, at codon 108 of the MYLK protein (p.Ala108Gly). This variant is present in population databases (no rsID available, gnomAD 0.003%). This variant has not been reported in the literature in individuals affected with MYLK-related conditions. Invitae Evidence Modeling of protein sequence and biophysical properties (such as structural, functional, and spatial information, amino acid conservation, physicochemical variation, residue mobility, and thermodynamic stability) indicates that this missense variant is not expected to disrupt MYLK protein function with a negative predictive value of 95%. In summary, the available evidence is currently insufficient to determine the role of this variant in disease. Therefore, it has been classified as a Variant of Uncertain Significance.

NM_053025.4(MYLK):c.323C>G (p.Ala108Gly)

Gene: MYLK (myosin light chain kinase; minus strand). Cytogenetic location: 3q21.1.
Variant type: single nucleotide variant.
Coding change: c.323C>G on transcript NM_053025.4 (MANE Select); coding-DNA position 323, C replaced by G.
Protein change: p.Ala108Gly; replaces alanine 108 with glycine.
Molecular consequence: missense variant. On other transcripts: intron variant (1).
Genome position (GRCh38, 1-based): chr3:123,752,381, G>C on the plus strand (C>G on the coding strand, the complement: MYLK is on the minus strand). VCF-style: chr3-123752381-G-C. GRCh37 (hg19) VCF-style: chr3-123471228-G-C.
Other names: c.323C>G, p.Ala108Gly (NM_053026.4, NM_053027.4, NM_053028.4); c.-155-12380C>G (NM_001321309.2); short protein forms A108G.
Identifiers: ClinVar variation 4706324 (VCV004706324.1).